The following is an entry in ClinVar:

NM_002296.4(LBR):c.924C>T (p.Val308=)

Gene: LBR (lamin B receptor; minus strand). Cytogenetic location: 1q42.12.
Variant type: single nucleotide variant.
Coding change: c.924C>T on transcript NM_002296.4 (MANE Select); coding-DNA position 924, C replaced by T.
Protein change: p.Val308=; no amino-acid change (valine 308 retained).
Molecular consequence: synonymous variant.
Genome position (GRCh38, 1-based): chr1:225,412,614, G>A on the plus strand (C>T on the coding strand, the complement: LBR is on the minus strand). VCF-style: chr1-225412614-G-A. GRCh37 (hg19) VCF-style: chr1-225600316-G-A.
Other names: c.924C>T, p.Val308= (NM_194442.3).
Identifiers: ClinVar variation 618194 (VCV000618194.8), dbSNP rs1558653035, ClinGen allele CA423503977.

ClinVar aggregate classification (germline): Likely benign (1 of 4 stars; one submission).

Submission:

ARUP Laboratories, Molecular Genetics and Genomics, ARUP Laboratories
Classification: Likely benign. Last evaluated: 2017-12-28. Review status: criteria provided, single submitter. Criteria: ARUP Molecular Germline Variant Investigation Process. Collection method: clinical testing. Allele origin: germline.
Comment: The c.924C>T; p.Val308Val variant, to our knowledge, is not reported in the medical literature, gene specific variation databases, nor has it been previously identified by our laboratory. This variant is absent from the general population databases (1000 Genomes Project, Exome Variant Server, Genome Aggregation Database), indicating it is not a common polymorphism. The c.924C>T variant does not alter the amino acid sequence of the protein and computational splice site prediction algorithms do not predict a change in the nearest splice site or creation of a cryptic splice site. Based on the available evidence, the c.924C>T; p.Val308Val variant is likely to be benign.